The following is an entry in ClinVar:

NM_001367624.2(ZNF469):c.2605G>A (p.Ala869Thr)

Gene: ZNF469 (zinc finger protein 469; plus strand). Cytogenetic location: 16q24.2.
Variant type: single nucleotide variant.
Coding change: c.2605G>A on transcript NM_001367624.2 (MANE Select); coding-DNA position 2605, G replaced by A.
Protein change: p.Ala869Thr; replaces alanine 869 with threonine.
Molecular consequence: missense variant.
Genome position (GRCh38, 1-based): chr16:88,430,075, G>A. VCF-style: chr16-88430075-G-A. GRCh37 (hg19) VCF-style: chr16-88496483-G-A.
Other names: NM_001127464.1:c.2605G>A; short protein forms A869T.
Identifiers: ClinVar variation 1219246 (VCV001219246.5), dbSNP rs751502450, ClinGen allele CA8224785.

ClinVar aggregate classification (germline): Conflicting classifications of pathogenicity. Review status: criteria provided, conflicting classifications (1 of 4 stars). 2 submissions from 2 submitters: Uncertain significance (1); Likely benign (1). Last evaluated 2024-03-25.

Conditions:
Cardiovascular phenotype. Identifiers: MedGen CN230736.

Allele frequency attached by ClinVar (database versions not stated): gnomAD exomes 0.00001 and 0.00003; gnomAD 0.00003; TOPMed 0.00005; ExAC 0.00007.
gnomAD v4.1: 24 of 1,550,230 alleles (0.0015%); highest among the groups gnomAD compares: African/African-American, 0.0055%; no homozygotes.

Submissions (2):

Ambry Genetics
Classification: Likely benign for Cardiovascular phenotype. Last evaluated: 2024-03-25. Review status: criteria provided, single submitter. Criteria: Ambry Variant Classification Scheme 2023. Collection method: clinical testing. Allele origin: germline.

GeneDx
Classification: Uncertain significance. Last evaluated: 2021-05-14. Review status: criteria provided, single submitter. Criteria: GeneDx Variant Classification Process June 2021. Collection method: clinical testing. Allele origin: germline. Affected: yes.
Comment: In silico analysis supports that this missense variant does not alter protein structure/function; Has not been previously published as pathogenic or benign to our knowledge